The following is an entry in ClinVar:

NM_177438.3(DICER1):c.3249A>T (p.Arg1083Ser)

Gene: DICER1 (dicer 1, ribonuclease III; minus strand). Cytogenetic location: 14q32.13.
Variant type: single nucleotide variant.
Coding change: c.3249A>T on transcript NM_177438.3 (MANE Select); coding-DNA position 3249, A replaced by T.
Protein change: p.Arg1083Ser; replaces arginine 1083 with serine.
Molecular consequence: missense variant.
Genome position (GRCh38, 1-based): chr14:95,105,091, T>A on the plus strand (A>T on the coding strand, the complement: DICER1 is on the minus strand). VCF-style: chr14-95105091-T-A. GRCh37 (hg19) VCF-style: chr14-95571428-T-A.
Other names: c.3249A>T, p.Arg1083Ser (NM_001195573.1, NM_001271282.3, NM_001291628.2 and 1 more transcripts); short protein forms R1083S.
Identifiers: ClinVar variation 543610 (VCV000543610.16), dbSNP rs1291112028, ClinGen allele CA390876325.
Genomic context (GRCh38, chr14:95,105,091, plus strand): 5'-TCATGATCTGTGTTCTTTCTGGCTGACTGCACAGGCATACCTAAAATCCGCAGGAAGTGA[T>A]CTGACTCCCACGCCAGCATCGCTGGCAGTCTGGGCTCTTAGCTCCTCTGCAGTCAAAAGG-3'
Protein context (NP_803187.1, residues 1073-1093): QTASDAGVGV[Arg1083Ser]SLPADFRYPN

ClinVar aggregate classification (germline): Uncertain significance. Review status: criteria provided, multiple submitters, no conflicts (2 of 4 stars). 3 submissions from 3 submitters: Uncertain significance (3). Last evaluated 2026-01-24.

Conditions:
DICER1-related tumor predisposition. Also called: DICER1-related pleuropulmonary blastoma cancer predisposition syndrome; DICER1 syndrome. Identifiers: Orphanet 284343, MedGen C3839822, MONDO:0100216.
Hereditary cancer-predisposing syndrome. Also called: Neoplastic Syndromes, Hereditary; Tumor predisposition; Hereditary Cancer Syndrome; Hereditary neoplastic syndrome. Identifiers: Orphanet 140162, MedGen C0027672, MeSH D009386, MONDO:0015356.

Allele frequency attached by ClinVar (database versions not stated): gnomAD exomes 0.00001; TOPMed 0.00002.
gnomAD v4.1: 3 of 1,614,186 alleles (0.00019%); highest among the groups gnomAD compares: Non-Finnish European, 0.00025%; no homozygotes.

Submissions (3):

Labcorp Genetics (formerly Invitae), Labcorp
Classification: Uncertain significance for DICER1-related tumor predisposition. Last evaluated: 2026-01-24. Review status: criteria provided, single submitter. Criteria: Invitae Variant Classification Sherloc (09022015). Collection method: clinical testing. Allele origin: germline.
Comment: This sequence change replaces arginine, which is basic and polar, with serine, which is neutral and polar, at codon 1083 of the DICER1 protein (p.Arg1083Ser). This variant is present in population databases (no rsID available, gnomAD 0.002%). This variant has not been reported in the literature in individuals affected with DICER1-related conditions. ClinVar contains an entry for this variant (Variation ID: 543610). Invitae Evidence Modeling of protein sequence and biophysical properties (such as structural, functional, and spatial information, amino acid conservation, physicochemical variation, residue mobility, and thermodynamic stability) indicates that this missense variant is not expected to disrupt DICER1 protein function with a negative predictive value of 95%. In summary, the available evidence is currently insufficient to determine the role of this variant in disease. Therefore, it has been classified as a Variant of Uncertain Significance.

Ambry Genetics
Classification: Uncertain significance for Hereditary cancer-predisposing syndrome. Last evaluated: 2025-01-25. Review status: criteria provided, single submitter. Criteria: Ambry Variant Classification Scheme 2023. Collection method: clinical testing. Allele origin: germline.
Comment: The p.R1083S variant (also known as c.3249A>T), located in coding exon 19 of the DICER1 gene, results from an A to T substitution at nucleotide position 3249. The arginine at codon 1083 is replaced by serine, an amino acid with dissimilar properties. This amino acid position is not well conserved in available vertebrate species. In addition, this alteration is predicted to be tolerated by in silico analysis. Since supporting evidence is limited at this time, the clinical significance of this alteration remains unclear.

Quest Diagnostics Nichols Institute San Juan Capistrano
Classification: Uncertain significance. Last evaluated: 2024-05-28. Review status: criteria provided, single submitter. Criteria: Quest Diagnostics criteria. Collection method: clinical testing. Allele origin: unknown.
Comment: The DICER1 c.3249A>T (p.Arg1083Ser) variant, to the best of our knowledge, has not been reported in the published literature. The frequency of this variant in the general population, 0.000008 (2/251390 chromosomes (Genome Aggregation Database)), is uninformative in the assessment of its pathogenicity. Analysis of this variant using bioinformatics tools for the prediction of the effect of amino acid changes on protein structure and function yielded predictions that this variant is benign. Based on the available information, we are unable to determine the clinical significance of this variant.